The following is an entry in ClinVar:

NM_001035.3(RYR2):c.6498del (p.Met2167fs)

Gene: RYR2 (ryanodine receptor 2; plus strand). Cytogenetic location: 1q43.
Variant type: Deletion.
Coding change: c.6498del on transcript NM_001035.3 (MANE Select); coding-DNA position 6498, one base deleted (G; older notation c.6498delG).
Protein change: p.Met2167fs; shifts the reading frame from methionine 2167.
Molecular consequence: frameshift variant.
Genome position (GRCh38, 1-based): chr1:237,631,484, G deleted; the last of 4 consecutive G bases (chr1:237,631,481-237,631,484); deleting any one gives the same sequence. VCF-style (leftmost placement, unchanged base first): chr1-237631480-TG-T. GRCh37 (hg19) VCF-style: chr1-237794780-TG-T.
Other names: short protein forms M2167fs.
Identifiers: ClinVar variation 4056931 (VCV004056931.2).

ClinVar aggregate classification (germline): Uncertain significance. Review status: criteria provided, multiple submitters, no conflicts (2 of 4 stars). 2 submissions from 2 submitters: Uncertain significance (2). Last evaluated 2025-03-16.

Conditions:
Catecholaminergic polymorphic ventricular tachycardia 1. Also called: VENTRICULAR TACHYCARDIA, CATECHOLAMINERGIC POLYMORPHIC, 1, WITH OR WITHOUT ATRIAL DYSFUNCTION AND/OR DILATED CARDIOMYOPATHY; RYR2-Related Catecholaminergic Polymorphic Ventricular Tachycardia; VENTRICULAR TACHYCARDIA, STRESS-INDUCED POLYMORPHIC 1. Identifiers: Orphanet 3286, MedGen C1631597, MONDO:0011484, OMIM 604772.

Submissions (2):

Labcorp Genetics (formerly Invitae), Labcorp
Classification: Uncertain significance for Catecholaminergic polymorphic ventricular tachycardia 1. Last evaluated: 2025-03-16. Review status: criteria provided, single submitter. Criteria: Invitae Variant Classification Sherloc (09022015). Collection method: clinical testing. Allele origin: germline.
Comment: This sequence change creates a premature translational stop signal (p.Met2167Cysfs*5) in the RYR2 gene. It is expected to result in an absent or disrupted protein product. However, the current clinical and genetic evidence is not sufficient to establish whether loss-of-function variants in RYR2 cause disease. This variant is not present in population databases (gnomAD no frequency). This variant has not been reported in the literature in individuals affected with RYR2-related conditions. Algorithms developed to predict the effect of sequence changes on RNA splicing suggest that this variant may disrupt the consensus splice site. In summary, the available evidence is currently insufficient to determine the role of this variant in disease. Therefore, it has been classified as a Variant of Uncertain Significance.

GeneDx
Classification: Uncertain significance. Last evaluated: 2025-01-12. Review status: criteria provided, single submitter. Criteria: GeneDx Variant Classification Process June 2021. Collection method: clinical testing. Allele origin: germline. Affected: yes.
Comment: Frameshift variant predicted to result in protein truncation or nonsense mediated decay in a gene or region of a gene for which loss of function is not a well-established mechanism of disease; Not observed at significant frequency in large population cohorts (gnomAD); Has not been previously published as pathogenic or benign to our knowledge